The following is an entry in ClinVar:

NM_033004.4(NLRP1):c.194G>A (p.Arg65Gln)

Gene: NLRP1 (NLR family pyrin domain containing 1; minus strand). Cytogenetic location: 17p13.2.
Variant type: single nucleotide variant.
Coding change: c.194G>A on transcript NM_033004.4 (MANE Select); coding-DNA position 194, G replaced by A.
Protein change: p.Arg65Gln; replaces arginine 65 with glutamine.
Molecular consequence: missense variant.
Genome position (GRCh38, 1-based): chr17:5,583,764, C>T on the plus strand (G>A on the coding strand, the complement: NLRP1 is on the minus strand). VCF-style: chr17-5583764-C-T. GRCh37 (hg19) VCF-style: chr17-5487084-C-T.
Other names: c.194G>A, p.Arg65Gln (NM_001033053.3, NM_014922.5, NM_033006.4 and 1 more transcripts); short protein forms R65Q.
Identifiers: ClinVar variation 1473104 (VCV001473104.6), dbSNP rs200739115, ClinGen allele CA287293426.

ClinVar aggregate classification (germline): Uncertain significance (1 of 4 stars; one submission).

Allele frequency attached by ClinVar (database versions not stated): gnomAD exomes 0.00002 and 0.00004; gnomAD 0.00004; TOPMed 0.00006.
gnomAD v4.1: 34 of 1,553,118 alleles (0.0022%); highest among the groups gnomAD compares: Admixed American, 0.027%; no homozygotes.

Submission:

Labcorp Genetics (formerly Invitae), Labcorp
Classification: Uncertain significance. Last evaluated: 2025-10-21. Review status: criteria provided, single submitter. Criteria: Invitae Variant Classification Sherloc (09022015). Collection method: clinical testing. Allele origin: germline.
Comment: This sequence change replaces arginine, which is basic and polar, with glutamine, which is neutral and polar, at codon 65 of the NLRP1 protein (p.Arg65Gln). This variant is present in population databases (rs200739115, gnomAD 0.02%). This variant has not been reported in the literature in individuals affected with NLRP1-related conditions. ClinVar contains an entry for this variant (Variation ID: 1473104). An algorithm developed to predict the effect of missense changes on protein structure and function outputs the following: PolyPhen-2: "Benign". The glutamine amino acid residue is found in multiple mammalian species, which suggests that this missense change does not adversely affect protein function. In summary, the available evidence is currently insufficient to determine the role of this variant in disease. Therefore, it has been classified as a Variant of Uncertain Significance.